The following is an entry in ClinVar:

NM_003200.5(TCF3):c.1245G>A (p.Met415Ile)

Gene: TCF3 (transcription factor 3; minus strand). Cytogenetic location: 19p13.3.
Variant type: single nucleotide variant.
Coding change: c.1245G>A on transcript NM_003200.5 (MANE Select); coding-DNA position 1245, G replaced by A.
Protein change: p.Met415Ile; replaces methionine 415 with isoleucine.
Molecular consequence: missense variant.
Genome position (GRCh38, 1-based): chr19:1,619,397, C>T on the plus strand (G>A on the coding strand, the complement: TCF3 is on the minus strand). VCF-style: chr19-1619397-C-T. GRCh37 (hg19) VCF-style: chr19-1619396-C-T.
Other names: c.1245G>A, p.Met415Ile (NM_001136139.4, NM_001351779.2); c.1242G>A, p.Met414Ile (NM_001351778.2); short protein forms M414I, M415I.
Identifiers: ClinVar variation 4767715 (VCV004767715.1).

ClinVar aggregate classification (germline): Uncertain significance (1 of 4 stars; one submission).

Submission:

Labcorp Genetics (formerly Invitae), Labcorp
Classification: Uncertain significance. Last evaluated: 2025-09-10. Review status: criteria provided, single submitter. Criteria: Invitae Variant Classification Sherloc (09022015). Collection method: clinical testing. Allele origin: germline.
Comment: This sequence change replaces methionine, which is neutral and non-polar, with isoleucine, which is neutral and non-polar, at codon 415 of the TCF3 protein (p.Met415Ile). This variant is not present in population databases (gnomAD no frequency). This variant has not been reported in the literature in individuals affected with TCF3-related conditions. Invitae Evidence Modeling of protein sequence and biophysical properties (such as structural, functional, and spatial information, amino acid conservation, physicochemical variation, residue mobility, and thermodynamic stability) indicates that this missense variant is not expected to disrupt TCF3 protein function with a negative predictive value of 80%. In summary, the available evidence is currently insufficient to determine the role of this variant in disease. Therefore, it has been classified as a Variant of Uncertain Significance.